The following is an entry in ClinVar:

NM_002860.4(ALDH18A1):c.1931T>A (p.Ile644Asn)

Gene: ALDH18A1 (aldehyde dehydrogenase 18 family member A1; minus strand). Cytogenetic location: 10q24.1.
Variant type: single nucleotide variant.
Coding change: c.1931T>A on transcript NM_002860.4 (MANE Select); coding-DNA position 1931, T replaced by A.
Protein change: p.Ile644Asn; replaces isoleucine 644 with asparagine.
Molecular consequence: missense variant.
Genome position (GRCh38, 1-based): chr10:95,611,435, A>T on the plus strand (T>A on the coding strand, the complement: ALDH18A1 is on the minus strand). VCF-style: chr10-95611435-A-T. GRCh37 (hg19) VCF-style: chr10-97371192-A-T.
Other names: chr10-95611435 A>T; p.Ile644Asn; c.1925T>A, p.Ile642Asn (NM_001017423.2, NM_001323415.2); c.1598T>A, p.Ile533Asn (NM_001323412.2, NM_001323416.2); c.1931T>A, p.Ile644Asn (NM_001323413.2, NM_001323414.2); c.1826T>A, p.Ile609Asn (NM_001323417.2); c.1592T>A, p.Ile531Asn (NM_001323418.2); c.1295T>A, p.Ile432Asn (NM_001323419.2); short protein forms I432N, I531N, I533N, I609N, I642N, I644N.
Identifiers: ClinVar variation 1878569 (VCV001878569.2), dbSNP rs761744291, ClinGen allele CA5620183.
Genomic context (GRCh38, chr10:95,611,435, plus strand): 5'-AGTGACTTCACTTCGGAGGGGCTGAAGGTCAGATAGGAGGCAAATTTGGGGCCTGCATGA[A>T]TTTTTACCTGGAACAGAGGAAGTCCAGGGGCAACAACATAAAAACAACTGAAATAAGCAA-3'
Protein context (NP_002851.2, residues 634-654): IDMLRVEQVK[Ile644Asn]HAGPKFASYL

ClinVar aggregate classification (germline): Conflicting classifications of pathogenicity. Review status: criteria provided, conflicting classifications (1 of 4 stars). 2 submissions from 2 submitters: Likely pathogenic (1); Uncertain significance (1). Last evaluated 2025-05-13.

Conditions:
Autosomal recessive complex spastic paraplegia type 9B. Also called: Spastic paraplegia 9b, autosomal recessive. Identifiers: Orphanet 447760, MedGen C5568980, MONDO:0014702, OMIM 616586.

Allele frequency attached by ClinVar (database versions not stated): gnomAD exomes below 0.00001; ExAC 0.00001.
gnomAD v4.1: 2 of 1,614,140 alleles (0.00012%); highest among the groups gnomAD compares: South Asian, 0.0022%; no homozygotes.

Submissions (2):

Department of Biochemistry, All India Institute of Medical Sciences, Kalyani
Classification: Likely pathogenic for Autosomal recessive complex spastic paraplegia type 9B. Last evaluated: 2025-05-13. Review status: criteria provided, single submitter. Criteria: ACMG Guidelines, 2015. Collection method: clinical testing. Allele origin: germline. Affected: yes.
Comment: The NM_002860.4:c.1931T>A, is a missense variant in the exon 16 of ALDH18A1 gene which is predicted to result in change in amino acid Isoleucine to Asparagine in position 644 in the polypeptide chain. This amino acid change leads to a deleterious effect on the protein as per computational prediction tools (aggregate score Revel - 0.858) (PMID: 36413997) (PP3 – Pathogenic Moderate). EEG is found to be normal. MRI of the brain showed bilateral cystic lesion in the temporal lobe and caudate region, thin corpus callosum posterior>anterior), delayed myelination and mild cortical atrophy. This variant has an overall allele frequency of 0.000001239 in gnomAD v4.1.0 and 0.00002196 in South Asians (PM2 – Pathogenic Moderate). This variant is not previously reported in the literature. In summary, this variant meets criteria to be classified as likely pathogenic based on the ACMG/AMP criteria applied, as specified by PP3, PM3 & PM2 criteria.

Neuberg Centre For Genomic Medicine, NCGM
Classification: Uncertain significance for Autosomal recessive complex spastic paraplegia type 9B. Review status: criteria provided, single submitter. Criteria: ACMG Guidelines, 2015. Collection method: clinical testing. Allele origin: germline. Affected: yes.
Comment: The missense variant p.I644N in ALDH18A1 (NM_002860.3) has not been reported previously as a pathogenic variant nor as a benign variant, to our knowledge. The p.I644N variant is observed in 1/30,616 (0.0033%) alleles from individuals ofSouth Asian background in gnomAD Exomes and is novel (not in any individuals) in 1000 Genomes. There is a large physicochemical difference between isoleucine and asparagine, which is likely to impact secondary protein structure as these residues differ in polarity, charge, size and/or other properties. The p.I644N missense variant is predicted to be damaging by both SIFT and PolyPhen2. The isoleucine residue at codon 644 of ALDH18A1 is conserved in all mammalian species. The nucleotide c.1931 in ALDH18A1is predicted conserved by GERP++ and PhyloP across 100 vertebrates.